The following is an entry in ClinVar:

ClinVar aggregate classification (germline): Uncertain significance (1 of 4 stars; one submission).

Conditions:
Hereditary breast ovarian cancer syndrome. Also called: Hereditary breast and ovarian cancer syndrome (HBOC); Breast and ovarian cancer; Hereditary breast and ovarian cancer syndrome; Hereditary breast and/or ovarian cancer syndrome; Hereditary breast and ovarian cancer; BRCA1- and BRCA2-Associated Hereditary Breast and Ovarian Cancer. Identifiers: Orphanet 145, MedGen C0677776, MeSH D061325, MONDO:0003582. Disease mechanism: loss of function.

Submission:

Labcorp Genetics (formerly Invitae), Labcorp
Classification: Uncertain significance for Hereditary breast ovarian cancer syndrome. Last evaluated: 2025-07-07. Review status: criteria provided, single submitter. Criteria: Invitae Variant Classification Sherloc (09022015). Collection method: clinical testing. Allele origin: germline.
Comment: This sequence change replaces lysine, which is basic and polar, with glutamic acid, which is acidic and polar, at codon 230 of the BRCA2 protein (p.Lys230Glu). This variant is not present in population databases (gnomAD no frequency). This missense change has been observed in individual(s) with breast cancer (PMID: 30287823). ClinVar contains an entry for this variant (Variation ID: 1410179). Invitae Evidence Modeling of protein sequence and biophysical properties (such as structural, functional, and spatial information, amino acid conservation, physicochemical variation, residue mobility, and thermodynamic stability) indicates that this missense variant is not expected to disrupt BRCA2 protein function with a negative predictive value of 95%. In summary, the available evidence is currently insufficient to determine the role of this variant in disease. Therefore, it has been classified as a Variant of Uncertain Significance.

Literature cited by the submitters: PubMed 30287823.

NM_000059.4(BRCA2):c.688A>G (p.Lys230Glu)

Gene: BRCA2 (BRCA2 DNA repair associated; plus strand). Cytogenetic location: 13q13.1.
Variant type: single nucleotide variant.
Coding change: c.688A>G on transcript NM_000059.4 (MANE Select); coding-DNA position 688, A replaced by G.
Protein change: p.Lys230Glu; replaces lysine 230 with glutamic acid.
Molecular consequence: missense variant.
Genome position (GRCh38, 1-based): chr13:32,330,925, A>G. VCF-style: chr13-32330925-A-G. GRCh37 (hg19) VCF-style: chr13-32905062-A-G.
Other names: short protein forms K230E.
Identifiers: ClinVar variation 1410179 (VCV001410179.8), dbSNP rs80358913, ClinGen allele CA387759853.